The following is an entry in ClinVar:

NM_006648.4(WNK2):c.4532C>T (p.Thr1511Ile)

Gene: WNK2 (WNK lysine deficient protein kinase 2; plus strand). Cytogenetic location: 9q22.31.
Variant type: single nucleotide variant.
Coding change: c.4532C>T on transcript NM_006648.4 (MANE Select); coding-DNA position 4532, C replaced by T.
Protein change: p.Thr1511Ile; replaces threonine 1511 with isoleucine.
Molecular consequence: missense variant.
Genome position (GRCh38, 1-based): chr9:93,289,286, C>T. VCF-style: chr9-93289286-C-T. GRCh37 (hg19) VCF-style: chr9-96051568-C-T.
Other names: c.4643C>T, p.Thr1548Ile (NM_001282394.3); short protein forms T1511I, T1548I.
Identifiers: ClinVar variation 3982160 (VCV003982160.1).
Genomic context (GRCh38, chr9:93,289,286, plus strand): 5'-CCGCCTTGGGTCAACCTGCTCCCCTGCTTCCTGCCGCAGTGGGGGCCGTCAGCCTGGCCA[C>T]CTCCCAGCTCCCAAGCCCACCCCTGGGGCCCACCGTCCCCCCACAGCCACCCTCGGCCCT-3'
Protein context (NP_006639.3, residues 1501-1521): PAAVGAVSLA[Thr1511Ile]SQLPSPPLGP

ClinVar aggregate classification (germline): Uncertain significance (1 of 4 stars; one submission).

gnomAD v4.1: 1 of 1,599,114 alleles (0.000063%); highest among the groups gnomAD compares: Non-Finnish European, 0.000085%; no homozygotes.

Submission:

Ambry Genetics
Classification: Uncertain significance. Last evaluated: 2025-06-02. Review status: criteria provided, single submitter. Criteria: Ambry Variant Classification Scheme 2023. Collection method: clinical testing. Allele origin: germline.
Comment: The p.T1511I variant (also known as c.4532C>T), located in coding exon 19 of the WNK2 gene, results from a C to T substitution at nucleotide position 4532. The threonine at codon 1511 is replaced by isoleucine, an amino acid with similar properties. This amino acid position is conserved. In addition, this alteration is predicted to be tolerated by in silico analysis. Based on the available evidence, the clinical significance of this variant remains unclear.